The following is an entry in ClinVar:

ClinVar aggregate classification (germline): Likely pathogenic (1 of 4 stars; one submission).

Submission:

Labcorp Genetics (formerly Invitae), Labcorp
Classification: Likely pathogenic. Last evaluated: 2021-06-27. Review status: criteria provided, single submitter. Criteria: Invitae Variant Classification Sherloc (09022015). Collection method: clinical testing. Allele origin: germline.
Comment: This sequence change affects an acceptor splice site in intron 1 of the XPC gene. It is expected to disrupt RNA splicing. Variants that disrupt the donor or acceptor splice site typically lead to a loss of protein function (PMID: 16199547), and loss-of-function variants in XPC are known to be pathogenic (PMID: 23173980, 25256075). This variant is not present in population databases (ExAC no frequency). This variant has not been reported in the literature in individuals with XPC-related conditions. Algorithms developed to predict the effect of sequence changes on RNA splicing suggest that this variant may disrupt the consensus splice site, but this prediction has not been confirmed by published transcriptional studies. In summary, the currently available evidence indicates that the variant is pathogenic, but additional data are needed to prove that conclusively. Therefore, this variant has been classified as Likely Pathogenic.

Literature cited by the submitters: PubMed 16199547; PubMed 23173980; PubMed 25256075.

NM_004628.5(XPC):c.104-1G>T

Gene: XPC (XPC complex subunit, DNA damage recognition and repair factor; minus strand). Cytogenetic location: 3p25.1.
Variant type: single nucleotide variant.
Coding change: c.104-1G>T on transcript NM_004628.5 (MANE Select); the canonical splice acceptor site of the intron before coding-DNA position 104, G replaced by T.
Molecular consequence: splice acceptor variant.
Genome position (GRCh38, 1-based): chr3:14,173,063, C>A on the plus strand (G>T on the coding strand, the complement: XPC is on the minus strand). VCF-style: chr3-14173063-C-A. GRCh37 (hg19) VCF-style: chr3-14214563-C-A.
Other names: c.86-1G>T (NM_001354729.2); c.-352-1G>T (NM_001354726.2); c.104-1G>T (NM_001354730.2, NM_001354727.2).
Identifiers: ClinVar variation 1493973 (VCV001493973.8), dbSNP rs2125046287, ClinGen allele CA351543413.